The following is an entry in ClinVar:

NM_003105.6(SORL1):c.3912C>A (p.Asp1304Glu)

Gene: SORL1 (sortilin related receptor 1; plus strand). Cytogenetic location: 11q24.1.
Variant type: single nucleotide variant.
Coding change: c.3912C>A on transcript NM_003105.6 (MANE Select); coding-DNA position 3912, C replaced by A.
Protein change: p.Asp1304Glu; replaces aspartic acid 1304 with glutamic acid.
Molecular consequence: missense variant.
Genome position (GRCh38, 1-based): chr11:121,588,117, C>A. VCF-style: chr11-121588117-C-A. GRCh37 (hg19) VCF-style: chr11-121458826-C-A.
Other names: short protein forms D1304E.
Identifiers: ClinVar variation 4714706 (VCV004714706.1).

ClinVar aggregate classification (germline): Uncertain significance (1 of 4 stars; one submission).

Submission:

Labcorp Genetics (formerly Invitae), Labcorp
Classification: Uncertain significance. Last evaluated: 2025-03-09. Review status: criteria provided, single submitter. Criteria: Invitae Variant Classification Sherloc (09022015). Collection method: clinical testing. Allele origin: germline.
Comment: This sequence change replaces aspartic acid, which is acidic and polar, with glutamic acid, which is acidic and polar, at codon 1304 of the SORL1 protein (p.Asp1304Glu). This variant is not present in population databases (gnomAD no frequency). This variant has not been reported in the literature in individuals affected with SORL1-related conditions. An algorithm developed to predict the effect of missense changes on protein structure and function (PolyPhen-2) suggests that this variant is likely to be disruptive. In summary, the available evidence is currently insufficient to determine the role of this variant in disease. Therefore, it has been classified as a Variant of Uncertain Significance.